The following is an entry in ClinVar:

ClinVar aggregate classification (germline): Pathogenic (1 of 4 stars; one submission).

Submission:

Labcorp Genetics (formerly Invitae), Labcorp
Classification: Pathogenic. Last evaluated: 2025-06-04. Review status: criteria provided, single submitter. Criteria: Invitae Variant Classification Sherloc (09022015). Collection method: clinical testing. Allele origin: germline.
Comment: This sequence change creates a premature translational stop signal (p.Gln301*) in the OSGEP gene. It is expected to result in an absent or disrupted protein product. Loss-of-function variants in OSGEP are known to be pathogenic (PMID: 28805828, 34666032). This variant is present in population databases (rs766380924, gnomAD 0.01%). This variant has not been reported in the literature in individuals affected with OSGEP-related conditions. Algorithms developed to predict the effect of sequence changes on RNA splicing suggest that this variant may disrupt the consensus splice site. For these reasons, this variant has been classified as Pathogenic.

Literature cited by the submitters: PubMed 28805828; PubMed 34666032.

NM_017807.4(OSGEP):c.901C>T (p.Gln301Ter)

Gene: OSGEP (O-sialoglycoprotein endopeptidase; minus strand). Cytogenetic location: 14q11.2.
Variant type: single nucleotide variant.
Coding change: c.901C>T on transcript NM_017807.4 (MANE Select); coding-DNA position 901, C replaced by T.
Protein change: p.Gln301Ter; replaces glutamine 301 with a stop codon.
Molecular consequence: nonsense.
Genome position (GRCh38, 1-based): chr14:20,447,489, G>A on the plus strand (C>T on the coding strand, the complement: OSGEP is on the minus strand). VCF-style: chr14-20447489-G-A. GRCh37 (hg19) VCF-style: chr14-20915648-G-A.
Other names: short protein forms Q301*.
Identifiers: ClinVar variation 4808706 (VCV004808706.1).